The following is an entry in ClinVar:

ClinVar aggregate classification (germline): Conflicting classifications of pathogenicity. Review status: criteria provided, conflicting classifications (1 of 4 stars). 7 submissions from 7 submitters: Uncertain significance (1); Benign (1); Likely benign (4). 1 of the submissions does not count toward it. Last evaluated 2026-02-01.

Conditions:
Hepatoencephalopathy due to combined oxidative phosphorylation defect type 1. Also called: HEPATOENCEPHALOPATHY, EARLY FATAL PROGRESSIVE. Identifiers: Orphanet 137681, MedGen C1836797, MONDO:0012191, OMIM 609060.

Allele frequency attached by ClinVar (database versions not stated): 1000 Genomes Project 30x 0.00031; 1000 Genomes Project 0.00040; ESP Exome Variant Server 0.00077; TOPMed 0.00098; gnomAD 0.00124.
gnomAD v4.1: 2,074 of 1,613,612 alleles (0.13%); highest among the groups gnomAD compares: Non-Finnish European, 0.14%; 5 homozygotes.

Submissions (13):

Labcorp Genetics (formerly Invitae), Labcorp
Classification: Likely benign. Last evaluated: 2026-02-01. Review status: criteria provided, single submitter. Criteria: Invitae Variant Classification Sherloc (09022015). Collection method: clinical testing. Allele origin: germline.

Blueprint Genetics
Classification: Likely benign. Last evaluated: 2024-11-22. Review status: criteria provided, single submitter. Criteria: ACMG Guidelines, 2015. Collection method: clinical testing. Allele origin: germline.

CeGaT Center for Human Genetics Tuebingen
Classification: Likely benign. Last evaluated: 2024-08-01. Review status: criteria provided, single submitter. Criteria: CeGaT Center For Human Genetics Tuebingen Variant Classification Criteria Version 2. Collection method: clinical testing. Allele origin: germline. Affected: yes. Observed: 11 variant alleles.
Comment: GFM1: BP4, BS2

ARUP Laboratories, Molecular Genetics and Genomics, ARUP Laboratories
Classification: Likely benign for Hepatoencephalopathy due to combined oxidative phosphorylation defect type 1. Last evaluated: 2023-11-02. Review status: criteria provided, single submitter. Criteria: ARUP Molecular Germline Variant Investigation Process 2024. Collection method: clinical testing. Allele origin: germline.

Illumina Laboratory Services, Illumina
Classification: Uncertain significance for Hepatoencephalopathy due to combined oxidative phosphorylation defect type 1. Last evaluated: 2018-01-12. Review status: criteria provided, single submitter. Criteria: ICSL Variant Classification Criteria 13 December 2019. Collection method: clinical testing. Allele origin: germline.

GeneDx
Classification: Benign. Last evaluated: 2014-07-22. Review status: criteria provided, single submitter. Criteria: GeneDx Variant Classification (06012015). Collection method: clinical testing. Allele origin: germline. Affected: yes.
Comment: This variant is considered likely benign or benign based on one or more of the following criteria: it is a conservative change, it occurs at a poorly conserved position in the protein, it is predicted to be benign by multiple in silico algorithms, and/or has population frequency not consistent with disease.

Natera, Inc.
Classification: Likely benign for Combined oxidative phosphorylation deficiency 1. Last evaluated: 2020-06-05. Review status: no assertion criteria provided. Collection method: clinical testing. Allele origin: germline. Not counted in ClinVar's aggregate classification.

Dr. Peter K. Rogan Lab, Western University
No classification provided (evidence only). Condition: Cervical cancer. Review status: no classification provided. Collection method: in vitro. Allele origin: not applicable. Functional consequence: retained intron. Not counted in ClinVar's aggregate classification.

Dr. Peter K. Rogan Lab, Western University
No classification provided (evidence only). Condition: Ovarian serous cystadenocarcinoma. Review status: no classification provided. Collection method: in vitro. Allele origin: not applicable. Functional consequence: retained intron. Not counted in ClinVar's aggregate classification.

Dr. Peter K. Rogan Lab, Western University
No classification provided (evidence only). Condition: Gastric cancer. Review status: no classification provided. Collection method: in vitro. Allele origin: not applicable. Functional consequence: retained intron. Not counted in ClinVar's aggregate classification.

Dr. Peter K. Rogan Lab, Western University
No classification provided (evidence only). Condition: Malignant tumor of esophagus. Review status: no classification provided. Collection method: in vitro. Allele origin: not applicable. Functional consequence: retained intron. Not counted in ClinVar's aggregate classification.

Dr. Peter K. Rogan Lab, Western University
No classification provided (evidence only). Condition: Familial pancreatic carcinoma. Review status: no classification provided. Collection method: in vitro. Allele origin: not applicable. Functional consequence: retained intron. Not counted in ClinVar's aggregate classification.

Dr. Peter K. Rogan Lab, Western University
No classification provided (evidence only). Condition: Lymphoma. Review status: no classification provided. Collection method: in vitro. Allele origin: not applicable. Functional consequence: retained intron. Not counted in ClinVar's aggregate classification.

NM_024996.7(GFM1):c.690-5C>G

Gene: GFM1 (G elongation factor mitochondrial 1; plus strand). Cytogenetic location: 3q25.32.
Variant type: single nucleotide variant.
Coding change: c.690-5C>G on transcript NM_024996.7 (MANE Select); 5 bases into the intron before coding-DNA position 690, C replaced by G.
Molecular consequence: intron variant.
Genome position (GRCh38, 1-based): chr3:158,652,091, C>G. VCF-style: chr3-158652091-C-G. GRCh37 (hg19) VCF-style: chr3-158369880-C-G.
Other names: c.747-5C>G (NM_001308164.2, NM_001374355.1); c.465-5C>G (NM_001374357.1); c.573-5C>G (NM_001374356.1); c.123-5C>G (NM_001374359.1, NM_001374360.1); c.6-5C>G (NM_001374361.1); c.235-9C>G (NM_001374358.1); c.690-5C>G (NM_001308166.2).
Identifiers: ClinVar variation 214483 (VCV000214483.67), dbSNP rs201685981, ClinGen allele CA321899.